The following is an entry in ClinVar:

ClinVar aggregate classification (germline): Uncertain significance. Review status: criteria provided, multiple submitters, no conflicts (2 of 4 stars). 2 submissions from 2 submitters: Uncertain significance (2). Last evaluated 2025-02-04.

Conditions:
Cardiovascular phenotype. Identifiers: MedGen CN230736.
ANKRD1-related dilated cardiomyopathy. Identifiers: MedGen CN119551.

Allele frequency attached by ClinVar (database versions not stated): gnomAD exomes below 0.00001; TOPMed below 0.00001; ExAC 0.00001.
gnomAD v4.1: 3 of 1,613,858 alleles (0.00019%); highest among the groups gnomAD compares: South Asian, 0.0022%; no homozygotes.

Submissions (2):

Labcorp Genetics (formerly Invitae), Labcorp
Classification: Uncertain significance for ANKRD1-related dilated cardiomyopathy. Last evaluated: 2025-02-04. Review status: criteria provided, single submitter. Criteria: Invitae Variant Classification Sherloc (09022015). Collection method: clinical testing. Allele origin: germline.
Comment: This sequence change replaces glutamic acid, which is acidic and polar, with lysine, which is basic and polar, at codon 180 of the ANKRD1 protein (p.Glu180Lys). This variant is present in population databases (rs780993838, gnomAD 0.003%). This variant has not been reported in the literature in individuals affected with ANKRD1-related conditions. ClinVar contains an entry for this variant (Variation ID: 2146801). Invitae Evidence Modeling of protein sequence and biophysical properties (such as structural, functional, and spatial information, amino acid conservation, physicochemical variation, residue mobility, and thermodynamic stability) indicates that this missense variant is not expected to disrupt ANKRD1 protein function with a negative predictive value of 80%. In summary, the available evidence is currently insufficient to determine the role of this variant in disease. Therefore, it has been classified as a Variant of Uncertain Significance.

Ambry Genetics
Classification: Uncertain significance for Cardiovascular phenotype. Last evaluated: 2024-03-16. Review status: criteria provided, single submitter. Criteria: Ambry Variant Classification Scheme 2023. Collection method: clinical testing. Allele origin: germline.
Comment: The p.E180K variant (also known as c.538G>A), located in coding exon 5 of the ANKRD1 gene, results from a G to A substitution at nucleotide position 538. The glutamic acid at codon 180 is replaced by lysine, an amino acid with similar properties. This amino acid position is conserved. In addition, the in silico prediction for this alteration is inconclusive. Based on the available evidence, the clinical significance of this alteration remains unclear.

NM_014391.3(ANKRD1):c.538G>A (p.Glu180Lys)

Gene: ANKRD1 (ankyrin repeat domain 1; minus strand). Cytogenetic location: 10q23.31.
Variant type: single nucleotide variant.
Coding change: c.538G>A on transcript NM_014391.3 (MANE Select); coding-DNA position 538, G replaced by A.
Protein change: p.Glu180Lys; replaces glutamic acid 180 with lysine.
Molecular consequence: missense variant.
Genome position (GRCh38, 1-based): chr10:90,917,746, C>T on the plus strand (G>A on the coding strand, the complement: ANKRD1 is on the minus strand). VCF-style: chr10-90917746-C-T. GRCh37 (hg19) VCF-style: chr10-92677503-C-T.
Other names: short protein forms E180K.
Identifiers: ClinVar variation 2146801 (VCV002146801.5), dbSNP rs780993838, ClinGen allele CA5598703.